The following is an entry in ClinVar:

ClinVar aggregate classification (germline): Uncertain significance. Review status: criteria provided, multiple submitters, no conflicts (2 of 4 stars). 4 submissions from 4 submitters: Uncertain significance (4). Last evaluated 2026-03-30.

Conditions:
MFN2-related disorder. Also called: MFN2-related condition; MFN2-related disorders.
Charcot-Marie-Tooth disease. Also called: Charcot-Marie-Tooth Neuropathy; Charcot-Marie-Tooth Hereditary Neuropathy. Identifiers: Orphanet 166, MedGen C0007959, MONDO:0015626.
Inborn genetic diseases. Identifiers: MedGen C0950123, MeSH D030342.
Charcot-Marie-Tooth disease type 2. Also called: Charcot-Marie-Tooth type 2. Identifiers: Orphanet 64746, MedGen C0270914, MONDO:0018993.

Allele frequency attached by ClinVar (database versions not stated): gnomAD 0.00001; gnomAD exomes 0.00001; TOPMed 0.00001; ExAC 0.00003; ESP Exome Variant Server 0.00015.
gnomAD v4.1: 35 of 1,614,082 alleles (0.0022%); highest among the groups gnomAD compares: Non-Finnish European, 0.0027%; no homozygotes.

Submissions (4):

PreventionGenetics, part of Exact Sciences
Classification: Uncertain significance for MFN2-related condition. Last evaluated: 2026-03-30. Review status: criteria provided, single submitter. Criteria: ACMG Guidelines, 2015. Collection method: clinical testing. Allele origin: germline.
Comment: The MFN2 c.1118G>A variant is predicted to result in the amino acid substitution p.Arg373Gln. To our knowledge, this variant has not been reported in the literature. This variant is reported in 0.0033% of alleles in individuals of South Asian descent in gnomAD. At this time, the clinical significance of this variant is uncertain due to the absence of conclusive functional and genetic evidence.

Labcorp Genetics (formerly Invitae), Labcorp
Classification: Uncertain significance for Charcot-Marie-Tooth disease type 2. Last evaluated: 2024-10-02. Review status: criteria provided, single submitter. Criteria: Invitae Variant Classification Sherloc (09022015). Collection method: clinical testing. Allele origin: germline.
Comment: This sequence change replaces arginine, which is basic and polar, with glutamine, which is neutral and polar, at codon 373 of the MFN2 protein (p.Arg373Gln). This variant is present in population databases (rs142042485, gnomAD 0.004%). This variant has not been reported in the literature in individuals affected with MFN2-related conditions. ClinVar contains an entry for this variant (Variation ID: 476765). Invitae Evidence Modeling of protein sequence and biophysical properties (such as structural, functional, and spatial information, amino acid conservation, physicochemical variation, residue mobility, and thermodynamic stability) has been performed for this missense variant. However, the output from this modeling did not meet the statistical confidence thresholds required to predict the impact of this variant on MFN2 protein function. In summary, the available evidence is currently insufficient to determine the role of this variant in disease. Therefore, it has been classified as a Variant of Uncertain Significance.

Ambry Genetics
Classification: Uncertain significance for Inborn genetic diseases. Last evaluated: 2019-09-27. Review status: criteria provided, single submitter. Criteria: Ambry Variant Classification Scheme 2023. Collection method: clinical testing. Allele origin: germline.
Comment: The p.R373Q variant (also known as c.1118G>A), located in coding exon 9 of the MFN2 gene, results from a G to A substitution at nucleotide position 1118. The arginine at codon 373 is replaced by glutamine, an amino acid with highly similar properties. This amino acid position is well conserved in available vertebrate species. In addition, the in silico prediction for this alteration is inconclusive. Since supporting evidence is limited at this time, the clinical significance of this alteration remains unclear.

Molecular Genetics Laboratory, London Health Sciences Centre
Classification: Uncertain significance for Charcot-Marie-Tooth disease. Review status: criteria provided, single submitter. Criteria: ACMG Guidelines, 2015. Collection method: clinical testing. Allele origin: germline. Affected: yes.

NM_014874.4(MFN2):c.1118G>A (p.Arg373Gln)

Gene: MFN2 (mitofusin 2; plus strand). Cytogenetic location: 1p36.22.
Variant type: single nucleotide variant.
Coding change: c.1118G>A on transcript NM_014874.4 (MANE Select); coding-DNA position 1118, G replaced by A.
Protein change: p.Arg373Gln; replaces arginine 373 with glutamine.
Molecular consequence: missense variant.
Genome position (GRCh38, 1-based): chr1:12,002,061, G>A. VCF-style: chr1-12002061-G-A. GRCh37 (hg19) VCF-style: chr1-12062118-G-A.
Other names: c.1118G>A, p.Arg373Gln (NM_001127660.2); short protein forms R373Q.
Identifiers: ClinVar variation 476765 (VCV000476765.10), dbSNP rs142042485, ClinGen allele CA599013.